The following is an entry in ClinVar:

ClinVar aggregate classification (germline): Likely pathogenic (1 of 4 stars; one submission).

Conditions:
Glycogen storage disease type III (GSD3). Also called: FORBES DISEASE; Cori disease. Identifiers: Orphanet 366, MedGen C0017922, MONDO:0009291, OMIM 232400.

Submission:

Labcorp Genetics (formerly Invitae), Labcorp
Classification: Likely pathogenic for Glycogen storage disease type III. Last evaluated: 2023-09-24. Review status: criteria provided, single submitter. Criteria: Invitae Variant Classification Sherloc (09022015). Collection method: clinical testing. Allele origin: germline.
Comment: In summary, the currently available evidence indicates that the variant is pathogenic, but additional data are needed to prove that conclusively. Therefore, this variant has been classified as Likely Pathogenic. This variant has not been reported in the literature in individuals affected with AGL-related conditions. This variant is not present in population databases (gnomAD no frequency). This variant results in the deletion of part of exon 21 (c.2810_2812+21del) of the AGL gene. It is expected to disrupt RNA splicing. Variants that disrupt the donor or acceptor splice site typically lead to a loss of protein function (PMID: 16199547), and loss-of-function variants in AGL are known to be pathogenic (PMID: 19299494).

Literature cited by the submitters: PubMed 16199547; PubMed 19299494.

NM_000642.3(AGL):c.2810_2812+21del

Gene: AGL (amylo-alpha-1,6-glucosidase and 4-alpha-glucanotransferase; plus strand). Cytogenetic location: 1p21.2.
Variant type: Deletion.
Coding change: c.2810_2812+21del on transcript NM_000642.3 (MANE Select); coding-DNA position 2810 through 21 bases into the intron after coding-DNA position 2812, 24 bases deleted (AAGGTAAGCAAATGGAAGGATAGC).
Molecular consequence: splice donor variant.
Genome position (GRCh38, 1-based): chr1:99,888,106-99,888,129, AAGGTAAGCAAATGGAAGGATAGC deleted; deleting any 24 consecutive bases within chr1:99,888,105-99,888,129 gives the same sequence; the c. name uses the placement nearest the transcript's 3' end. VCF-style (leftmost placement, unchanged base first): chr1-99888104-TCAAGGTAAGCAAATGGAAGGATAG-T. GRCh37 (hg19) VCF-style: chr1-100353660-TCAAGGTAAGCAAATGGAAGGATAG-T.
Other names: c.2762_2764+21del (NM_000646.3); c.2810_2812+21del (NM_001425326.1, NM_001425325.1, NM_000028.3 and 2 more transcripts); c.2609_2611+21del (NM_001425327.1); c.2606_2608+21del (NM_001425328.1); c.2471_2473+21del (NM_001425329.1); c.2432_2434+21del (NM_001425332.1).
Identifiers: ClinVar variation 2805922 (VCV002805922.3), dbSNP rs2524700617, ClinGen allele CA2739272714.